The following is an entry in ClinVar:

NM_201253.3(CRB1):c.3853T>C (p.Cys1285Arg)

Gene: CRB1 (crumbs cell polarity complex component 1; plus strand). Cytogenetic location: 1q31.3.
Variant type: single nucleotide variant.
Coding change: c.3853T>C on transcript NM_201253.3 (MANE Select); coding-DNA position 3853, T replaced by C.
Protein change: p.Cys1285Arg; replaces cysteine 1285 with arginine.
Molecular consequence: missense variant. On other transcripts: non-coding transcript variant (2).
Genome position (GRCh38, 1-based): chr1:197,438,650, T>C. VCF-style: chr1-197438650-T-C. GRCh37 (hg19) VCF-style: chr1-197407780-T-C.
Other names: c.3853T>C (NM_201253.2); c.3517T>C, p.Cys1173Arg (NM_001193640.2); c.3781T>C, p.Cys1261Arg (NM_001257965.2); c.2245T>C, p.Cys749Arg (NM_001257966.2); short protein forms C1173R, C1261R, C1285R, C749R.
Identifiers: ClinVar variation 1023319 (VCV001023319.9), dbSNP rs1665279918, ClinGen allele CA344050986.
Genomic context (GRCh38, chr1:197,438,650, plus strand): 5'-AATCTCACTTGCTACAATGGAGGCAACTGCACAGAGTTCCAGACTGAATTAAAATGTATG[T>C]GCCGGCCAGGTTTTACTGGAGAATGGTGAGTCACATTAGAGCCTTCTGGAAGAGAATTCT-3'
Protein context (NP_957705.1, residues 1275-1295): TEFQTELKCM[Cys1285Arg]RPGFTGEWCE

ClinVar aggregate classification (germline): Likely pathogenic. Review status: criteria provided, single submitter (1 of 4 stars). 2 submissions from 2 submitters: Likely pathogenic (1). 1 of the submissions does not count toward it. Last evaluated 2023-04-24.

Conditions:
Leber congenital amaurosis (LCA). Also called: Leber's amaurosis. Identifiers: Orphanet 65, MedGen C0339527, MeSH D057130, MONDO:0018998.
Retinitis pigmentosa 12 (RP12). Also called: RP WITH OR WITHOUT PRESERVED PARAARTERIOLE RETINAL PIGMENT EPITHELIUM; RETINITIS PIGMENTOSA WITH OR WITHOUT PARAARTERIOLAR PRESERVATION OF RETINAL PIGMENT EPITHELIUM; RP WITH OR WITHOUT PPRPE. Identifiers: Orphanet 791, MedGen C1838647, MONDO:0010818, OMIM 600105.
Leber congenital amaurosis 8 (LCA8). Identifiers: Orphanet 65, MedGen C3151202, MONDO:0013453, OMIM 613835.

Submissions (2):

Labcorp Genetics (formerly Invitae), Labcorp
Classification: Likely pathogenic for Leber congenital amaurosis 8; Retinitis pigmentosa 12. Last evaluated: 2023-04-24. Review status: criteria provided, single submitter. Criteria: Invitae Variant Classification Sherloc (09022015). Collection method: clinical testing. Allele origin: germline.
Comment: ClinVar contains an entry for this variant (Variation ID: 1023319). In summary, the currently available evidence indicates that the variant is pathogenic, but additional data are needed to prove that conclusively. Therefore, this variant has been classified as Likely Pathogenic. Algorithms developed to predict the effect of sequence changes on RNA splicing suggest that this variant may create or strengthen a splice site. Advanced modeling of protein sequence and biophysical properties (such as structural, functional, and spatial information, amino acid conservation, physicochemical variation, residue mobility, and thermodynamic stability) performed at Invitae indicates that this missense variant is expected to disrupt CRB1 protein function. This missense change has been observed in individuals with autosomal recessive retinitis pigmentosa (PMID: 26667666; Invitae). This variant is not present in population databases (gnomAD no frequency). This sequence change replaces cysteine, which is neutral and slightly polar, with arginine, which is basic and polar, at codon 1285 of the CRB1 protein (p.Cys1285Arg).

Natera, Inc.
Classification: Uncertain significance for Leber congenital amaurosis. Last evaluated: 2025-01-21. Review status: no assertion criteria provided. Collection method: clinical testing. Allele origin: germline. Not counted in ClinVar's aggregate classification.

Literature cited by the submitters: PubMed 26667666 (cited by Labcorp Genetics (formerly Invitae), Labcorp).